The following is an entry in ClinVar:

ClinVar aggregate classification (germline): Benign (1 of 4 stars; one submission).

Conditions:
Hyaline fibromatosis syndrome (HFS). Also called: Hyalinosis, Inherited Systemic; HYALINOSIS, SYSTEMIC. Identifiers: Orphanet 2028, Orphanet 498474, MedGen C5574677, MONDO:0009229, OMIM 228600.

Allele frequency attached by ClinVar (database versions not stated): gnomAD 0.00421 and 0.00454; TOPMed 0.00503; 1000 Genomes Project 0.00519; 1000 Genomes Project 30x 0.00578.

Submission:

Illumina Laboratory Services, Illumina
Classification: Benign for Hyaline fibromatosis syndrome. Last evaluated: 2018-01-13. Review status: criteria provided, single submitter. Criteria: ICSL Variant Classification Criteria 13 December 2019. Collection method: clinical testing. Allele origin: germline.
Comment: This variant was observed in the ICSL laboratory as part of a predisposition screen in an ostensibly healthy population. It had not been previously curated by ICSL or reported in the Human Gene Mutation Database (HGMD: prior to June 1st, 2018), and was therefore a candidate for classification through an automated scoring system. Utilizing variant allele frequency, disease prevalence and penetrance estimates, and inheritance mode, an automated score was calculated to assess if this variant is too frequent to cause the disease. Based on the score and internal cut-off values, a variant classified as benign is not then subjected to further curation. The score for this variant resulted in a classification of benign for this disease.

NM_058172.6(ANTXR2):c.*1558C>T

Gene: ANTXR2 (ANTXR cell adhesion molecule 2; minus strand). Cytogenetic location: 4q21.21.
Variant type: single nucleotide variant.
Coding change: c.*1558C>T on transcript NM_058172.6 (MANE Select); 1558 bases downstream of the stop codon, C replaced by T.
Molecular consequence: 3 prime UTR variant.
Genome position (GRCh38, 1-based): chr4:79,905,871, G>A on the plus strand (C>T on the coding strand, the complement: ANTXR2 is on the minus strand). VCF-style: chr4-79905871-G-A. GRCh37 (hg19) VCF-style: chr4-80827025-G-A.
Other names: c.*1558C>T (NM_001286780.2, NM_001286781.2).
Identifiers: ClinVar variation 905459 (VCV000905459.4), dbSNP rs150281545, ClinGen allele CA100488480.